The following is an entry in ClinVar:

ClinVar aggregate classification (germline): Uncertain significance. Review status: criteria provided, multiple submitters, no conflicts (2 of 4 stars). 2 submissions from 2 submitters: Uncertain significance (2). Last evaluated 2025-12-16.

Conditions:
Inborn genetic diseases. Identifiers: MedGen C0950123, MeSH D030342.

Allele frequency attached by ClinVar (database versions not stated): ExAC 0.00001; gnomAD 0.00002; gnomAD exomes 0.00003 and 0.00012; TOPMed 0.00006.
gnomAD v4.1: 176 of 1,613,828 alleles (0.011%); highest among the groups gnomAD compares: Non-Finnish European, 0.014%; no homozygotes.

Submissions (2):

Ambry Genetics
Classification: Uncertain significance for Inborn genetic diseases. Last evaluated: 2025-12-16. Review status: criteria provided, single submitter. Criteria: Ambry Variant Classification Scheme 2023. Collection method: clinical testing. Allele origin: germline.

GeneDx
Classification: Uncertain significance. Last evaluated: 2019-06-17. Review status: criteria provided, single submitter. Criteria: GeneDx Variant Classification Process June 2021. Collection method: clinical testing. Allele origin: germline. Affected: yes.
Comment: In silico analysis, which includes protein predictors and evolutionary conservation, supports that this variant does not alter protein structure/function; Has not been previously published as pathogenic or benign to our knowledge

NM_001375405.1(CEP120):c.560C>T (p.Thr187Ile)

Gene: CEP120 (centrosomal protein 120; minus strand). Cytogenetic location: 5q23.2.
Variant type: single nucleotide variant.
Coding change: c.560C>T on transcript NM_001375405.1 (MANE Select); coding-DNA position 560, C replaced by T.
Protein change: p.Thr187Ile; replaces threonine 187 with isoleucine.
Molecular consequence: missense variant. On other transcripts: 5 prime UTR variant (2), non-coding transcript variant (1).
Genome position (GRCh38, 1-based): chr5:123,399,188, G>A on the plus strand (C>T on the coding strand, the complement: CEP120 is on the minus strand). VCF-style: chr5-123399188-G-A. GRCh37 (hg19) VCF-style: chr5-122734882-G-A.
Other names: c.-14C>T (NM_001375408.1, NM_001375409.1); c.560C>T, p.Thr187Ile (NM_153223.4, NM_001375406.1, NM_001375407.1); c.482C>T, p.Thr161Ile (NM_001166226.2); short protein forms T161I, T187I.
Identifiers: ClinVar variation 1306235 (VCV001306235.3), dbSNP rs758933551, ClinGen allele CA3387198.
Genomic context (GRCh38, chr5:123,399,188, plus strand): 5'-AGTCTCACCTGTTCCAACTGGGTAGCAAATGCTATGGTCACTGACATAATAAAGGAGTCA[G>A]TACAGTATTCTGCTGGTCCAATCTGATGGTAGCCTCCCTCTTCATTCAGCACAGCCACAA-3'
Protein context (NP_001362334.1, residues 177-197): YHQIGPAEYC[Thr187Ile]DSFIMSVTIA